The following is an entry in ClinVar:

ClinVar aggregate classification (germline): Conflicting classifications of pathogenicity. Review status: criteria provided, conflicting classifications (1 of 4 stars). 3 submissions from 3 submitters: Uncertain significance (2); Likely benign (1). Last evaluated 2026-01-17.

Conditions:
Inborn genetic diseases. Identifiers: MedGen C0950123, MeSH D030342.
Bethlem myopathy 2 (BTHLM2). Identifiers: Orphanet 536516, Orphanet 610, MedGen C4225313, MONDO:0034022, OMIM 616471.
Ullrich congenital muscular dystrophy 2 (UCMD2). Identifiers: Orphanet 75840, MedGen C4225314, MONDO:0014654, OMIM 616470.

Allele frequency attached by ClinVar (database versions not stated): TOPMed 0.00002; ExAC 0.00003; gnomAD exomes 0.00001; gnomAD 0.00001.
gnomAD v4.1: 12 of 1,613,986 alleles (0.00074%); highest among the groups gnomAD compares: East Asian, 0.022%; no homozygotes.

Submissions (3):

Labcorp Genetics (formerly Invitae), Labcorp
Classification: Likely benign for Bethlem myopathy 2; Ullrich congenital muscular dystrophy 2. Last evaluated: 2026-01-17. Review status: criteria provided, single submitter. Criteria: Invitae Variant Classification Sherloc (09022015). Collection method: clinical testing. Allele origin: germline.

Ambry Genetics
Classification: Uncertain significance for Inborn genetic diseases. Last evaluated: 2024-02-13. Review status: criteria provided, single submitter. Criteria: Ambry Variant Classification Scheme 2023. Collection method: clinical testing. Allele origin: germline.

GeneDx
Classification: Uncertain significance. Last evaluated: 2022-03-04. Review status: criteria provided, single submitter. Criteria: GeneDx Variant Classification Process June 2021. Collection method: clinical testing. Allele origin: germline. Affected: yes.
Comment: Has not been previously published as pathogenic or benign to our knowledge; At the protein level, in silico analysis supports that this missense variant does not alter protein structure/function; At the RNA level, in silico analysis suggests this variant may impact gene splicing. In the absence of RNA/functional studies, the actual effect of this sequence change is unknown.

NM_004370.6(COL12A1):c.1037C>T (p.Ser346Phe)

Gene: COL12A1 (collagen type XII alpha 1 chain; minus strand). Cytogenetic location: 6q13.
Variant type: single nucleotide variant.
Coding change: c.1037C>T on transcript NM_004370.6 (MANE Select); coding-DNA position 1037, C replaced by T.
Protein change: p.Ser346Phe; replaces serine 346 with phenylalanine.
Molecular consequence: missense variant. On other transcripts: intron variant (1).
Genome position (GRCh38, 1-based): chr6:75,184,105, G>A on the plus strand (C>T on the coding strand, the complement: COL12A1 is on the minus strand). VCF-style: chr6-75184105-G-A. GRCh37 (hg19) VCF-style: chr6-75893821-G-A.
Other names: c.73+18615C>T (NM_080645.3); short protein forms S346F.
Identifiers: ClinVar variation 1704097 (VCV001704097.5), dbSNP rs750973947, ClinGen allele CA3894276.